The following is an entry in ClinVar:

ClinVar aggregate classification (germline): Uncertain significance (1 of 4 stars; one submission).

Conditions:
Intellectual developmental disorder, X-linked, syndromic, Claes-Jensen type. Also called: INTELLECTUAL DEVELOPMENTAL DISORDER, X-LINKED, SYNDROMIC 16; MENTAL RETARDATION, X-LINKED, SYNDROMIC 16; Syndromic X-linked intellectual disability Claes-Jensen type. Identifiers: Orphanet 85279, MedGen C1845243, MONDO:0010355, OMIM 300534.

Submission:

Institute of Human Genetics, University of Goettingen
Classification: Uncertain significance for Intellectual developmental disorder, X-linked, syndromic, Claes-Jensen type. Last evaluated: 2020-10-07. Review status: criteria provided, single submitter. Criteria: ACMG Guidelines, 2015. Collection method: clinical testing. Allele origin: maternal. Inheritance: X-linked recessive inheritance. Affected: yes. Observed: 1 hemizygote.
Comment: The c.1583+5G>T is not found in known databases (ExAC or gnomAD). It most probably leads to an alteration of the WT-donor site, most probably affecting splicing, as is predicted by various in silico splicing prediction programs (Human Splicing Finder, SpliceSiteFinder-like, MaxEntScan, NNSPLICE, GeneSplicer and the VarSEAK splice site prediction tool). This variant was not reported in literature before, but Abidi et al. (PMID: 18697827) reported a variant affecting the same base (c.1583+5G>A) leading to exon skipping, causing a frame-shift mutation resulting in a stop codon (p.E468Gfs*2; detected through RT-PCR analysis). Because we did not perform the RT-PCR analysis to analyse the effect on splicing by the c.1583+5G>T variant, but the phenotype of our patient matched the phenotype described for patients with syndromic mental retardation, Claes-Jensen type, we consider this variant a variant of unknown significance with most likely pathogenic character. ACMG criteria used for classification: PM2, PP3.

NM_004187.5(KDM5C):c.1583+5G>T

Gene: KDM5C (lysine demethylase 5C; minus strand). Cytogenetic location: Xp11.22.
Variant type: single nucleotide variant.
Coding change: c.1583+5G>T on transcript NM_004187.5 (MANE Select); 5 bases into the intron after coding-DNA position 1583, G replaced by T.
Molecular consequence: intron variant.
Genome position (GRCh38, 1-based): chrX:53,210,671, C>A on the plus strand (G>T on the coding strand, the complement: KDM5C is on the minus strand). VCF-style: chrX-53210671-C-A. GRCh37 (hg19) VCF-style: chrX-53239853-C-A.
Other names: JARID1C; c.1580+5G>T (NM_001353982.2, NM_001353979.2, NM_001282622.3); c.1583+5G>T (NM_001353981.2, NM_001353984.2, NM_001353978.3); c.1382+5G>T (NM_001146702.2).
Identifiers: ClinVar variation 981217 (VCV000981217.3), dbSNP rs2073531540, ClinGen allele CA1139667562.
Genomic context (GRCh38, chrX:53,210,671, plus strand): 5'-CACACCTTGGTCATGCAGGGAGCCCACACTGACTTGATTCCCTGGCTCCCCAGGGTCCCA[C>A]TCACCAGTGGAGGTAGTTAATGGAGTAACTCCAGTGATCCTCAATATGCCAGCAAAAGGC-3'